The following is an entry in ClinVar:

ClinVar aggregate classification (germline): Uncertain significance. Review status: criteria provided, multiple submitters, no conflicts (2 of 4 stars). 2 submissions from 2 submitters: Uncertain significance (2). Last evaluated 2026-07-04.

Conditions:
Cardiovascular phenotype. Identifiers: MedGen CN230736.
Familial hypercholesterolemia. Also called: Familial hypercholesterolemias; Familial hypercholesterolaemia. Identifiers: MedGen C0020445, MONDO:0005439.

Allele frequency attached by ClinVar (database versions not stated): gnomAD exomes below 0.00001; gnomAD 0.00001; TOPMed below 0.00001.
gnomAD v4.1: 3 of 1,551,298 alleles (0.00019%); highest among the groups gnomAD compares: African/African-American, 0.0027%; no homozygotes.

Submissions (2):

Ambry Genetics
Classification: Uncertain significance for Cardiovascular phenotype. Last evaluated: 2026-07-04. Review status: criteria provided, single submitter. Criteria: Ambry Variant Classification Scheme 2023. Collection method: clinical testing. Allele origin: germline.
Comment: The p.H551L variant (also known as c.1652A>T), located in coding exon 10 of the PCSK9 gene, results from an A to T substitution at nucleotide position 1652. The histidine at codon 551 is replaced by leucine, an amino acid with similar properties. This amino acid position is conserved. In addition, this alteration is predicted to be tolerated by in silico analysis. Based on the available evidence, the clinical significance of this variant remains unclear.

Color Diagnostics, LLC DBA Color Health
Classification: Uncertain significance for Familial hypercholesterolemia. Last evaluated: 2023-12-05. Review status: criteria provided, single submitter. Criteria: ACMG Guidelines, 2015. Collection method: clinical testing. Allele origin: germline.
Comment: This missense variant replaces histidine with leucine at codon 551 of the PCSK9 protein. Computational prediction tools and conservation analyses suggest that this variant may not impact the protein function. Computational splicing tools suggest that this variant may not impact RNA splicing. To our knowledge, functional assays have not been performed for this variant nor has this variant been reported in individuals affected with familial hypercholesterolemia in the literature. This variant has been identified in 1/31388 chromosomes in the general population by the Genome Aggregation Database (gnomAD). Available evidence is insufficient to determine the role of this variant in disease conclusively. Therefore, this variant is classified as a Variant of Uncertain Significance.

NM_174936.4(PCSK9):c.1652A>T (p.His551Leu)

Gene: PCSK9 (proprotein convertase subtilisin/kexin type 9; plus strand). Cytogenetic location: 1p32.3.
Variant type: single nucleotide variant.
Coding change: c.1652A>T on transcript NM_174936.4 (MANE Select); coding-DNA position 1652, A replaced by T.
Protein change: p.His551Leu; replaces histidine 551 with leucine.
Molecular consequence: missense variant.
Genome position (GRCh38, 1-based): chr1:55,059,634, A>T. VCF-style: chr1-55059634-A-T. GRCh37 (hg19) VCF-style: chr1-55525307-A-T.
Other names: c.1694A>T, p.His565Leu (NM_001407241.1); c.1655A>T, p.His552Leu (NM_001407242.1); c.1595A>T, p.His532Leu (NM_001407243.1); c.1478A>T, p.His493Leu (NM_001407244.1); c.1460A>T, p.His487Leu (NM_001407245.1); c.1277A>T, p.His426Leu (NM_001407246.1); c.1775A>T, p.His592Leu (NM_001407240.1); short protein forms H551L, H426L, H592L, H532L, H487L, H552L, H493L, H565L.
Identifiers: ClinVar variation 921381 (VCV000921381.7), dbSNP rs1287224147, ClinGen allele CA340480061.